The following is an entry in ClinVar:

NM_003072.5(SMARCA4):c.264G>A (p.Pro88=)

Gene: SMARCA4 (SWI/SNF related BAF chromatin remodeling complex subunit ATPase 4; plus strand). Cytogenetic location: 19p13.2.
Variant type: single nucleotide variant.
Coding change: c.264G>A on transcript NM_003072.5 (MANE Select); coding-DNA position 264, G replaced by A.
Protein change: p.Pro88=; no amino-acid change (proline 88 retained).
Molecular consequence: synonymous variant. On other transcripts: non-coding transcript variant (1).
Genome position (GRCh38, 1-based): chr19:10,985,314, G>A. VCF-style: chr19-10985314-G-A. GRCh37 (hg19) VCF-style: chr19-11095990-G-A.
Other names: c.264G>A, p.Pro88= (NM_001128844.3, NM_001128845.2, NM_001128846.2 and 5 more transcripts).
Identifiers: ClinVar variation 470316 (VCV000470316.17), dbSNP rs1445117849, ClinGen allele CA505487771.

ClinVar aggregate classification (germline): Benign/Likely benign. Review status: criteria provided, multiple submitters, no conflicts (2 of 4 stars). 3 submissions from 3 submitters: Benign (1); Likely benign (2). Last evaluated 2026-07-08.

Conditions:
Rhabdoid tumor predisposition syndrome 2 (RTPS2). Identifiers: Orphanet 231108, Orphanet 69077, MedGen C2750074, MONDO:0013224, OMIM 613325.
Hereditary cancer-predisposing syndrome. Also called: Hereditary Cancer Syndrome; Hereditary neoplastic syndrome; Neoplastic Syndromes, Hereditary; Tumor predisposition. Identifiers: Orphanet 140162, MedGen C0027672, MeSH D009386, MONDO:0015356.

Allele frequency attached by ClinVar (database versions not stated): gnomAD exomes below 0.00001 and 0.00002; gnomAD 0.00001; TOPMed 0.00001.

Submissions (3):

Myriad Genetics, Inc.
Classification: Benign for Rhabdoid tumor predisposition syndrome 2. Last evaluated: 2026-07-08. Review status: criteria provided, single submitter. Criteria: Myriad Autosomal Dominant, Autosomal Recessive and X-Linked Classification Criteria (2023). Collection method: clinical testing. Allele origin: unknown.
Comment: This variant is considered benign. This variant is a silent/synonymous amino acid change and it is not expected to impact splicing.

Labcorp Genetics (formerly Invitae), Labcorp
Classification: Likely benign for Rhabdoid tumor predisposition syndrome 2. Last evaluated: 2026-01-07. Review status: criteria provided, single submitter. Criteria: Invitae Variant Classification Sherloc (09022015). Collection method: clinical testing. Allele origin: germline.

Ambry Genetics
Classification: Likely benign for Hereditary cancer-predisposing syndrome. Last evaluated: 2017-10-13. Review status: criteria provided, single submitter. Criteria: Ambry Variant Classification Scheme 2023. Collection method: clinical testing. Allele origin: germline.